The following is an entry in ClinVar:

ClinVar aggregate classification (germline): Conflicting classifications of pathogenicity. Review status: criteria provided, conflicting classifications (1 of 4 stars). 2 submissions from 2 submitters: Uncertain significance (1); Benign (1). Last evaluated 2026-04-17.

Conditions:
PHIP-related disorder. Also called: PHIP-related condition; PHIP-related disorders.

Allele frequency attached by ClinVar (database versions not stated): gnomAD exomes below 0.00001; TOPMed below 0.00001.
gnomAD v4.1: 1 of 1,613,982 alleles (0.000062%); highest among the groups gnomAD compares: Admixed American, 0.0017%; no homozygotes.

Submissions (2):

PreventionGenetics, part of Exact Sciences
Classification: Uncertain significance for PHIP-related condition. Last evaluated: 2026-04-17. Review status: criteria provided, single submitter. Criteria: ACMG Guidelines, 2015. Collection method: clinical testing. Allele origin: germline.
Comment: The PHIP c.5083C>T variant is predicted to result in the amino acid substitution p.Leu1695Phe. To our knowledge, this variant has not been reported in the literature. This variant is reported in 0.0029% of alleles in individuals of Latino descent in gnomAD. At this time, the clinical significance of this variant is uncertain due to the absence of conclusive functional and genetic evidence.

Labcorp Genetics (formerly Invitae), Labcorp
Classification: Benign. Last evaluated: 2025-01-19. Review status: criteria provided, single submitter. Criteria: Invitae Variant Classification Sherloc (09022015). Collection method: clinical testing. Allele origin: germline.

NM_017934.7(PHIP):c.5083C>T (p.Leu1695Phe)

Genes: IRAK1BP1 (interleukin 1 receptor associated kinase 1 binding protein 1; plus strand), PHIP (PHIP subunit of CUL4-Ring ligase complex; minus strand). Cytogenetic location: 6q14.1.
Variant type: single nucleotide variant.
Coding change: c.5083C>T on transcript NM_017934.7 (MANE Select); coding-DNA position 5083, C replaced by T.
Protein change: p.Leu1695Phe; replaces leucine 1695 with phenylalanine.
Molecular consequence: missense variant.
Genome position (GRCh38, 1-based): chr6:78,941,076, G>A on the plus strand (C>T on the coding strand, the complement: PHIP is on the minus strand). VCF-style: chr6-78941076-G-A. GRCh37 (hg19) VCF-style: chr6-79650793-G-A.
Other names: c.5083C>T (NM_017934.6); short protein forms L1695F.
Identifiers: ClinVar variation 1721680 (VCV001721680.6), dbSNP rs1011414294, ClinGen allele CA141840797.